The following is an entry in ClinVar:

NM_001384140.1(PCDH15):c.4015A>T (p.Lys1339Ter)

Gene: PCDH15 (protocadherin related 15; minus strand). Cytogenetic location: 10q21.1.
Variant type: single nucleotide variant.
Coding change: c.4015A>T on transcript NM_001384140.1 (MANE Select); coding-DNA position 4015, A replaced by T.
Protein change: p.Lys1339Ter; replaces lysine 1339 with a stop codon.
Molecular consequence: nonsense.
Genome position (GRCh38, 1-based): chr10:53,831,502, T>A on the plus strand (A>T on the coding strand, the complement: PCDH15 is on the minus strand). VCF-style: chr10-53831502-T-A. GRCh37 (hg19) VCF-style: chr10-55591262-T-A.
Other names: c.4030A>T, p.Lys1344Ter (NM_001142763.2, NM_001142771.2); c.4015A>T, p.Lys1339Ter (NM_001142764.2, NM_001142766.2, NM_001142770.3 and 4 more transcripts); c.3802A>T, p.Lys1268Ter (NM_001142765.2); c.3904A>T, p.Lys1302Ter (NM_001142767.2); c.3949A>T, p.Lys1317Ter (NM_001142768.2, NM_001142773.2, NM_001354404.2); c.4051A>T, p.Lys1351Ter (NM_001142769.4); c.4036A>T, p.Lys1346Ter (NM_001354411.2); short protein forms K1268*, K1302*, K1317*, K1339*, K1344*, K1346*, K1351*.
Identifiers: ClinVar variation 1723942 (VCV001723942.2), dbSNP rs2492659568, ClinGen allele CA376528561.

ClinVar aggregate classification (germline): Likely pathogenic (1 of 4 stars; one submission).

Conditions:
Usher syndrome type 1D (USH1D). Also called: USHER SYNDROME, TYPE ID. Identifiers: Orphanet 231169, Orphanet 886, MedGen C1832845, MONDO:0010984, OMIM 601067.

Submission:

Myriad Genetics, Inc.
Classification: Likely pathogenic for Usher syndrome type 1D. Last evaluated: 2022-01-15. Review status: criteria provided, single submitter. Criteria: Myriad Women's Health Autosomal Recessive and X-Linked Classification Criteria (2021). Collection method: clinical testing. Allele origin: unknown.
Comment: NM_033056.3(PCDH15):c.4015A>T(K1339*) is expected to be pathogenic in the context of PCDH15-related disorders. This variant is predicted to lead to an abnormal or absent protein product due to the creation of a premature termination codon in PCDH15, a gene where loss-of-function variants are known to be pathogenic. Please note: this variant was assessed in the context of healthy population screening.